The following is an entry in ClinVar:

ClinVar aggregate classification (germline): Likely benign (1 of 4 stars; one submission).

Conditions:
PLXNA3-related disorder. Also called: PLXNA3-related condition.

gnomAD v4.1: 1 of 1,206,821 alleles (0.000083%); highest among the groups gnomAD compares: Non-Finnish European, 0.00011%; no homozygotes.

Submission:

PreventionGenetics, part of Exact Sciences
Classification: Likely benign for PLXNA3-related condition. Last evaluated: 2025-09-17. Review status: criteria provided, single submitter. Criteria: ACMG Guidelines, 2015. Collection method: clinical testing. Allele origin: germline.
Comment: This variant is classified as likely benign based on ACMG/AMP sequence variant interpretation guidelines (Richards et al. 2015 PMID: 25741868, with internal and published modifications).

NM_017514.5(PLXNA3):c.1828+3C>T

Gene: PLXNA3 (plexin A3; plus strand). Cytogenetic location: Xq28.
Variant type: single nucleotide variant.
Coding change: c.1828+3C>T on transcript NM_017514.5 (MANE Select); 3 bases into the intron after coding-DNA position 1828, C replaced by T.
Molecular consequence: intron variant.
Genome position (GRCh38, 1-based): chrX:154,464,316, C>T. VCF-style: chrX-154464316-C-T. GRCh37 (hg19) VCF-style: chrX-153692659-C-T.
Identifiers: ClinVar variation 4992870 (VCV004992870.1).
Genomic context (GRCh38, chrX:154,464,316, plus strand): 5'-GAACTGCTCTGCCCCTCACCCTCCCTCCAGGAGCTCCGAGCTCTTACCAGGGGGCATGGT[C>T]AGTGGGTTGGGGCTGCCCAGGATGGGGCAGAGTGGGGCCTCTCCCTACCCCCAGCGAGTT-3'